The following is an entry in ClinVar:

NM_152672.6(SLC51A):c.506G>A (p.Arg169Gln)

Gene: SLC51A (solute carrier family 51 member A; plus strand). Cytogenetic location: 3q29.
Variant type: single nucleotide variant.
Coding change: c.506G>A on transcript NM_152672.6 (MANE Select); coding-DNA position 506, G replaced by A.
Protein change: p.Arg169Gln; replaces arginine 169 with glutamine.
Molecular consequence: missense variant.
Genome position (GRCh38, 1-based): chr3:196,228,258, G>A. VCF-style: chr3-196228258-G-A. GRCh37 (hg19) VCF-style: chr3-195955129-G-A.
Other names: short protein forms R169Q.
Identifiers: ClinVar variation 2369197 (VCV002369197.4), dbSNP rs777508608, ClinGen allele CA2779106.

ClinVar aggregate classification (germline): Uncertain significance. Review status: criteria provided, multiple submitters, no conflicts (2 of 4 stars). 2 submissions from 2 submitters: Uncertain significance (2). Last evaluated 2025-02-27.

Conditions:
SLC51A-related disorder. Also called: SLC51A-related condition.

Allele frequency attached by ClinVar (database versions not stated): gnomAD 0.00005.
gnomAD v4.1: 145 of 1,611,954 alleles (0.009%); highest among the groups gnomAD compares: Non-Finnish European, 0.012%; no homozygotes.

Submissions (2):

PreventionGenetics, part of Exact Sciences
Classification: Uncertain significance for SLC51A-related condition. Last evaluated: 2025-02-27. Review status: criteria provided, single submitter. Criteria: ACMG Guidelines, 2015. Collection method: clinical testing. Allele origin: germline.
Comment: The SLC51A c.506G>A variant is predicted to result in the amino acid substitution p.Arg169Gln. To our knowledge, this variant has not been reported in the literature. This variant is reported in 0.0057% of alleles in individuals of Latino descent in gnomAD. At this time, the clinical significance of this variant is uncertain due to the absence of conclusive functional and genetic evidence.

Ambry Genetics
Classification: Uncertain significance. Last evaluated: 2024-06-26. Review status: criteria provided, single submitter. Criteria: Ambry Variant Classification Scheme 2023. Collection method: clinical testing. Allele origin: germline.